The following is an entry in ClinVar:

NM_014669.5(NUP93):c.1897A>C (p.Lys633Gln)

Gene: NUP93 (nucleoporin 93; plus strand). Cytogenetic location: 16q13.
Variant type: single nucleotide variant.
Coding change: c.1897A>C on transcript NM_014669.5 (MANE Select); coding-DNA position 1897, A replaced by C.
Protein change: p.Lys633Gln; replaces lysine 633 with glutamine.
Molecular consequence: missense variant.
Genome position (GRCh38, 1-based): chr16:56,836,715, A>C. VCF-style: chr16-56836715-A-C. GRCh37 (hg19) VCF-style: chr16-56870627-A-C.
Other names: c.1528A>C, p.Lys510Gln (NM_001242795.2, NM_001242796.2); short protein forms K510Q, K633Q.
Identifiers: ClinVar variation 732207 (VCV000732207.12), dbSNP rs199678770, ClinGen allele CA8068576.

ClinVar aggregate classification (germline): Benign. Review status: criteria provided, multiple submitters, no conflicts (2 of 4 stars). 3 submissions from 3 submitters: Benign (2). 1 of the submissions does not count toward it. Last evaluated 2026-08-01.

Conditions:
NUP93-related disorder. Also called: NUP93-related condition.

Allele frequency attached by ClinVar (database versions not stated): gnomAD 0.00016 and 0.00037; TOPMed 0.00029; ExAC 0.00077; 1000 Genomes Project 30x 0.00109; 1000 Genomes Project 0.00140.
gnomAD v4.1: 830 of 1,603,874 alleles (0.052%); highest among the groups gnomAD compares: East Asian, 1.7%; 17 homozygotes.

Submissions (3):

CeGaT Center for Human Genetics Tuebingen
Classification: Benign. Last evaluated: 2026-08-01. Review status: criteria provided, single submitter. Criteria: CeGaT Center For Human Genetics Tuebingen Variant Classification Criteria Version 2. Collection method: clinical testing. Allele origin: germline. Affected: yes. Observed: 1 variant allele.
Comment: NUP93: BS1, BS2

Labcorp Genetics (formerly Invitae), Labcorp
Classification: Benign. Last evaluated: 2025-03-21. Review status: criteria provided, single submitter. Criteria: Invitae Variant Classification Sherloc (09022015). Collection method: clinical testing. Allele origin: germline.

PreventionGenetics, part of Exact Sciences
Classification: Benign for NUP93-related condition. Last evaluated: 2019-09-30. Review status: no assertion criteria provided. Collection method: clinical testing. Allele origin: germline. Not counted in ClinVar's aggregate classification.
Comment: This variant is classified as benign based on ACMG/AMP sequence variant interpretation guidelines (Richards et al. 2015 PMID: 25741868, with internal and published modifications).